The following is an entry in ClinVar:

NM_183075.3(CYP2U1):c.1057G>A (p.Gly353Arg)

Gene: CYP2U1 (cytochrome P450 family 2 subfamily U member 1; plus strand). Cytogenetic location: 4q25.
Variant type: single nucleotide variant.
Coding change: c.1057G>A on transcript NM_183075.3 (MANE Select); coding-DNA position 1057, G replaced by A.
Protein change: p.Gly353Arg; replaces glycine 353 with arginine.
Molecular consequence: missense variant.
Genome position (GRCh38, 1-based): chr4:107,945,536, G>A. VCF-style: chr4-107945536-G-A. GRCh37 (hg19) VCF-style: chr4-108866692-G-A.
Other names: short protein forms G353R.
Identifiers: ClinVar variation 1690737 (VCV001690737.2), dbSNP rs2126199638, ClinGen allele CA357837839.

ClinVar aggregate classification (germline): Uncertain significance (1 of 4 stars; one submission).

gnomAD v4.1: 5 of 1,613,120 alleles (0.00031%); highest among the groups gnomAD compares: Non-Finnish European, 0.00042%; no homozygotes.

Submission:

Laboratorio de Genetica e Diagnostico Molecular, Hospital Israelita Albert Einstein
Classification: Uncertain significance. Last evaluated: 2019-11-29. Review status: criteria provided, single submitter. Criteria: ACMG Guidelines, 2015. Collection method: clinical testing. Allele origin: germline. Affected: yes.
Comment: ACMG classification criteria: PM2, PP3